The following is an entry in ClinVar:

ClinVar aggregate classification (germline): Uncertain significance. Review status: criteria provided, multiple submitters, no conflicts (2 of 4 stars). 2 submissions from 2 submitters: Uncertain significance (2). Last evaluated 2026-02-12.

Allele frequency attached by ClinVar (database versions not stated): 1000 Genomes Project 30x 0.00031; gnomAD exomes 0.00002 and 0.00004; 1000 Genomes Project 0.00020; gnomAD 0.00003; ExAC 0.00005.

Submissions (2):

GeneDx
Classification: Uncertain significance. Last evaluated: 2026-02-12. Review status: criteria provided, single submitter. Criteria: GeneDx Variant Classification Process June 2021. Collection method: clinical testing. Allele origin: germline.
Comment: In silico analysis suggests that this missense variant does not alter protein structure/function; Has not been previously published as pathogenic or benign to our knowledge

Labcorp Genetics (formerly Invitae), Labcorp
Classification: Uncertain significance. Last evaluated: 2022-07-19. Review status: criteria provided, single submitter. Criteria: Invitae Variant Classification Sherloc (09022015). Collection method: clinical testing. Allele origin: germline.
Comment: This sequence change replaces histidine, which is basic and polar, with tyrosine, which is neutral and polar, at codon 263 of the RXYLT1 protein (p.His263Tyr). This variant is present in population databases (rs528696188, gnomAD 0.04%). This variant has not been reported in the literature in individuals affected with RXYLT1-related conditions. ClinVar contains an entry for this variant (Variation ID: 1433739). Algorithms developed to predict the effect of missense changes on protein structure and function output the following: SIFT: "Tolerated"; PolyPhen-2: "Benign"; Align-GVGD: "Class C15". The tyrosine amino acid residue is found in multiple mammalian species, which suggests that this missense change does not adversely affect protein function. Algorithms developed to predict the effect of sequence changes on RNA splicing suggest that this variant may create or strengthen a splice site. In summary, the available evidence is currently insufficient to determine the role of this variant in disease. Therefore, it has been classified as a Variant of Uncertain Significance.

NM_014254.3(RXYLT1):c.787C>T (p.His263Tyr)

Gene: RXYLT1 (ribitol xylosyltransferase 1; plus strand). Cytogenetic location: 12q14.2.
Variant type: single nucleotide variant.
Coding change: c.787C>T on transcript NM_014254.3 (MANE Select); coding-DNA position 787, C replaced by T.
Protein change: p.His263Tyr; replaces histidine 263 with tyrosine.
Molecular consequence: missense variant.
Genome position (GRCh38, 1-based): chr12:63,805,277, C>T. VCF-style: chr12-63805277-C-T. GRCh37 (hg19) VCF-style: chr12-64199057-C-T.
Other names: c.7C>T, p.His3Tyr (NM_001278237.2); c.787C>T (NM_014254.2); short protein forms H3Y, H263Y.
Identifiers: ClinVar variation 1433739 (VCV001433739.4), dbSNP rs528696188, ClinGen allele CA6666179.